The following is an entry in ClinVar:

ClinVar aggregate classification (germline): Likely benign. Review status: criteria provided, single submitter (1 of 4 stars). 2 submissions from 2 submitters: Likely benign (1). 1 of the submissions does not count toward it. Last evaluated 2025-08-08.

Conditions:
CCDC88A-related disorder. Also called: CCDC88A-related condition.

Allele frequency attached by ClinVar (database versions not stated): gnomAD 0.00005 and 0.00006; TOPMed 0.00005; gnomAD exomes 0.00007; ESP Exome Variant Server 0.00015.

Submissions (2):

Labcorp Genetics (formerly Invitae), Labcorp
Classification: Likely benign. Last evaluated: 2025-08-08. Review status: criteria provided, single submitter. Criteria: Invitae Variant Classification Sherloc (09022015). Collection method: clinical testing. Allele origin: germline.

PreventionGenetics, part of Exact Sciences
Classification: Likely benign for CCDC88A-related condition. Last evaluated: 2019-08-12. Review status: no assertion criteria provided. Collection method: clinical testing. Allele origin: germline. Not counted in ClinVar's aggregate classification.
Comment: This variant is classified as likely benign based on ACMG/AMP sequence variant interpretation guidelines (Richards et al. 2015 PMID: 25741868, with internal and published modifications).

NM_001365480.1(CCDC88A):c.4518A>T (p.Thr1506=)

Gene: CCDC88A (coiled-coil and HOOK domain protein 88A; minus strand). Cytogenetic location: 2p16.1.
Variant type: single nucleotide variant.
Coding change: c.4518A>T on transcript NM_001365480.1 (MANE Select); coding-DNA position 4518, A replaced by T.
Protein change: p.Thr1506=; no amino-acid change (threonine 1506 retained).
Molecular consequence: synonymous variant.
Genome position (GRCh38, 1-based): chr2:55,302,026, T>A on the plus strand (A>T on the coding strand, the complement: CCDC88A is on the minus strand). VCF-style: chr2-55302026-T-A. GRCh37 (hg19) VCF-style: chr2-55529162-T-A.
Other names: c.4515A>T, p.Thr1505= (NM_001135597.2, NM_001254943.2); c.4434A>T, p.Thr1478= (NM_018084.5); c.4515A>T (NM_001135597.1).
Identifiers: ClinVar variation 1642531 (VCV001642531.10), dbSNP rs377229921, ClinGen allele CA1665560.
Genomic context (GRCh38, chr2:55,302,026, plus strand): 5'-TTCTTTTCTCCTTTTACCCGTTGAAATATCATCAGGAACCTCCAAATTCTCAGTACTACC[T>A]GTCCACTGTCCTGCTAGGACCATGGACTGCACCAGGTCATTCATGGCTGGGATGCAAATG-3'
Protein context (NP_001352409.1, residues 1496-1516): VQSMVLAGQW[Thr1506=]GSTENLEVPD